The following is an entry in ClinVar:

ClinVar aggregate classification (germline): Conflicting classifications of pathogenicity. Review status: criteria provided, conflicting classifications (1 of 4 stars). 3 submissions from 3 submitters: Uncertain significance (1); Likely benign (1). 1 of the submissions does not count toward it. Last evaluated 2026-01-15.

Conditions:
SLC10A2-related disorder. Also called: SLC10A2-related condition.

Allele frequency attached by ClinVar (database versions not stated): gnomAD below 0.00001 and 0.00013; TOPMed 0.00001; gnomAD exomes 0.00019 and 0.00031; ExAC 0.00040; 1000 Genomes Project 30x 0.00062; 1000 Genomes Project 0.00080.
gnomAD v4.1: 294 of 1,614,192 alleles (0.018%); highest among the groups gnomAD compares: South Asian, 0.31%; 3 homozygotes.

Submissions (3):

Labcorp Genetics (formerly Invitae), Labcorp
Classification: Likely benign. Last evaluated: 2026-01-15. Review status: criteria provided, single submitter. Criteria: Invitae Variant Classification Sherloc (09022015). Collection method: clinical testing. Allele origin: germline.

Eurofins Ntd Llc (ga)
Classification: Uncertain significance. Last evaluated: 2018-05-31. Review status: criteria provided, single submitter. Criteria: EGL ClinVar v180209 classification definitions. Collection method: clinical testing. Allele origin: germline. Observed: 2 variant alleles, 2 heterozygotes.

PreventionGenetics, part of Exact Sciences
Classification: Likely benign for SLC10A2-related condition. Last evaluated: 2023-07-31. Review status: no assertion criteria provided. Collection method: clinical testing. Allele origin: germline. Not counted in ClinVar's aggregate classification.
Comment: This variant is classified as likely benign based on ACMG/AMP sequence variant interpretation guidelines (Richards et al. 2015 PMID: 25741868, with internal and published modifications).

NM_000452.3(SLC10A2):c.269T>C (p.Phe90Ser)

Gene: SLC10A2 (solute carrier family 10 member 2; minus strand). Cytogenetic location: 13q33.1.
Variant type: single nucleotide variant.
Coding change: c.269T>C on transcript NM_000452.3 (MANE Select); coding-DNA position 269, T replaced by C.
Protein change: p.Phe90Ser; replaces phenylalanine 90 with serine.
Molecular consequence: missense variant.
Genome position (GRCh38, 1-based): chr13:103,065,981, A>G on the plus strand (T>C on the coding strand, the complement: SLC10A2 is on the minus strand). VCF-style: chr13-103065981-A-G. GRCh37 (hg19) VCF-style: chr13-103718331-A-G.
Other names: c.269T>C (NM_000452.2); short protein forms F90S.
Identifiers: ClinVar variation 501526 (VCV000501526.11), dbSNP rs199894506, ClinGen allele CA7042300.
Genomic context (GRCh38, chr13:103,065,981, plus strand): 5'-GTTCCTCCAGGGCAGCATCCTATAATGAGCACCACTACGGCCTGGAGCGGGAGGATGTCA[A>G]AGGCCACCGACAGGATGAATCCTGTGAGGGGCATGATTCCAAACTGACAGAGGAAGCCAA-3'
Protein context (NP_000443.2, residues 80-100): PLTGFILSVA[Phe90Ser]DILPLQAVVV